The following is an entry in ClinVar:

NM_004304.5(ALK):c.3860G>A (p.Gly1287Asp)

Gene: ALK (ALK receptor tyrosine kinase; minus strand). Cytogenetic location: 2p23.2.
Variant type: single nucleotide variant.
Coding change: c.3860G>A on transcript NM_004304.5 (MANE Select); coding-DNA position 3860, G replaced by A.
Protein change: p.Gly1287Asp; replaces glycine 1287 with aspartic acid.
Molecular consequence: missense variant.
Genome position (GRCh38, 1-based): chr2:29,207,249, C>T on the plus strand (G>A on the coding strand, the complement: ALK is on the minus strand). VCF-style: chr2-29207249-C-T. GRCh37 (hg19) VCF-style: chr2-29430115-C-T.
Other names: c.656G>A, p.Gly219Asp (NM_001353765.2); short protein forms G219D, G1287D.
Identifiers: ClinVar variation 1525449 (VCV001525449.8), dbSNP rs2148152174, ClinGen allele CA346468972.

ClinVar aggregate classification (germline): Uncertain significance (1 of 4 stars; one submission).

Conditions:
Neuroblastoma, susceptibility to, 3. Also called: ALK-Related Neuroblastic Tumor Susceptibility. Identifiers: Orphanet 635, MedGen C2751681, MONDO:0013083, OMIM 613014.

Submission:

Labcorp Genetics (formerly Invitae), Labcorp
Classification: Uncertain significance for Neuroblastoma, susceptibility to, 3. Last evaluated: 2021-04-11. Review status: criteria provided, single submitter. Criteria: Invitae Variant Classification Sherloc (09022015). Collection method: clinical testing. Allele origin: germline.
Comment: This sequence change replaces glycine with aspartic acid at codon 1287 of the ALK protein (p.Gly1287Asp). The glycine residue is highly conserved and there is a moderate physicochemical difference between glycine and aspartic acid. This variant is not present in population databases (ExAC no frequency). This variant has not been reported in the literature in individuals with ALK-related conditions. Algorithms developed to predict the effect of missense changes on protein structure and function (SIFT, PolyPhen-2, Align-GVGD) all suggest that this variant is likely to be disruptive, but these predictions have not been confirmed by published functional studies and their clinical significance is uncertain. In summary, the available evidence is currently insufficient to determine the role of this variant in disease. Therefore, it has been classified as a Variant of Uncertain Significance.